The following is an entry in ClinVar:

NM_015488.5(PNKD):c.53C>T (p.Ala18Val)

Genes: PNKD (PNKD metallo-beta-lactamase domain containing; plus strand), LOC129935594 (ATAC-STARR-seq lymphoblastoid active region 17117; plus strand). Cytogenetic location: 2q35.
Variant type: single nucleotide variant.
Coding change: c.53C>T on transcript NM_015488.5 (MANE Select); coding-DNA position 53, C replaced by T.
Protein change: p.Ala18Val; replaces alanine 18 with valine.
Molecular consequence: missense variant.
Genome position (GRCh38, 1-based): chr2:218,270,588, C>T. VCF-style: chr2-218270588-C-T. GRCh37 (hg19) VCF-style: chr2-219135311-C-T.
Other names: c.53C>T, p.Ala18Val (NM_001077399.3); short protein forms A18V.
Identifiers: ClinVar variation 1935367 (VCV001935367.5), dbSNP rs1374309402, ClinGen allele CA350543692.

ClinVar aggregate classification (germline): Uncertain significance (1 of 4 stars; one submission).

Conditions:
Paroxysmal nonkinesigenic dyskinesia. Also called: Paroxysmal non-kinesigenic dyskinesia. Identifiers: Orphanet 98810, MedGen C1869117, MONDO:0700088.

Allele frequency attached by ClinVar (database versions not stated): TOPMed 0.00001.
gnomAD v4.1: 1 of 1,097,102 alleles (0.000091%); no homozygotes.

Submission:

Labcorp Genetics (formerly Invitae), Labcorp
Classification: Uncertain significance for Paroxysmal nonkinesigenic dyskinesia. Last evaluated: 2024-06-09. Review status: criteria provided, single submitter. Criteria: Invitae Variant Classification Sherloc (09022015). Collection method: clinical testing. Allele origin: germline.
Comment: This sequence change replaces alanine, which is neutral and non-polar, with valine, which is neutral and non-polar, at codon 18 of the PNKD protein (p.Ala18Val). This variant is not present in population databases (gnomAD no frequency). This variant has not been reported in the literature in individuals affected with PNKD-related conditions. ClinVar contains an entry for this variant (Variation ID: 1935367). An algorithm developed to predict the effect of missense changes on protein structure and function (PolyPhen-2) suggests that this variant is likely to be disruptive. In summary, the available evidence is currently insufficient to determine the role of this variant in disease. Therefore, it has been classified as a Variant of Uncertain Significance.